The following is an entry in ClinVar:

ClinVar aggregate classification (germline): Conflicting classifications of pathogenicity. Review status: criteria provided, conflicting classifications (1 of 4 stars). 3 submissions from 3 submitters: Uncertain significance (2); Likely benign (1). Last evaluated 2026-09-02.

Conditions:
Hypertrophic cardiomyopathy 26. Also called: Cardiomyopathy, familial hypertrophic, 26. Identifiers: Orphanet 75249, MedGen C4310749, MONDO:0014883, OMIM 617047.
Distal myopathy with posterior leg and anterior hand involvement. Also called: WILLIAMS DISTAL MYOPATHY. Identifiers: Orphanet 63273, MedGen C3279722, MONDO:0013550, OMIM 614065.
Myofibrillar myopathy 5. Also called: Filaminopathy (type); FILAMINOPATHY, AUTOSOMAL DOMINANT. Identifiers: Orphanet 171445, MedGen C1836050, MONDO:0012289, OMIM 609524.
FLNC-related disorder. Also called: FLNC-related disorders; FLNC-related condition.

Allele frequency attached by ClinVar (database versions not stated): gnomAD 0.00001; TOPMed 0.00001; gnomAD exomes 0.00002; ExAC 0.00005; 1000 Genomes Project 30x 0.00016; 1000 Genomes Project 0.00020.
gnomAD v4.1: 5 of 1,555,564 alleles (0.00032%); highest among the groups gnomAD compares: African/African-American, 0.0014%; no homozygotes.

Submissions (3):

PreventionGenetics, part of Exact Sciences
Classification: Uncertain significance for FLNC-related condition. Last evaluated: 2026-09-02. Review status: criteria provided, single submitter. Criteria: ACMG Guidelines, 2015. Collection method: clinical testing. Allele origin: germline.
Comment: The FLNC c.2377G>A variant is predicted to result in the amino acid substitution p.Glu793Lys. This variant has been reported in an individual with hypertrophic cardiomyopathy (Table S1, Chumakova et al. 2023. PubMed ID: 38002985). This variant is reported in 0.011% of alleles in individuals of African descent in gnomAD. At this time, the clinical significance of this variant is uncertain due to the absence of conclusive functional and genetic evidence.

Labcorp Genetics (formerly Invitae), Labcorp
Classification: Likely benign for Distal myopathy with posterior leg and anterior hand involvement; Myofibrillar myopathy 5; Hypertrophic cardiomyopathy 26. Last evaluated: 2024-01-22. Review status: criteria provided, single submitter. Criteria: Invitae Variant Classification Sherloc (09022015). Collection method: clinical testing. Allele origin: germline.

Blueprint Genetics
Classification: Uncertain significance. Last evaluated: 2022-06-08. Review status: criteria provided, single submitter. Criteria: ACMG Guidelines, 2015. Collection method: clinical testing. Allele origin: germline.

NM_001458.5(FLNC):c.2377G>A (p.Glu793Lys)

Gene: FLNC (filamin C; plus strand). Cytogenetic location: 7q32.1.
Variant type: single nucleotide variant.
Coding change: c.2377G>A on transcript NM_001458.5 (MANE Select); coding-DNA position 2377, G replaced by A.
Protein change: p.Glu793Lys; replaces glutamic acid 793 with lysine.
Molecular consequence: missense variant.
Genome position (GRCh38, 1-based): chr7:128,842,686, G>A. VCF-style: chr7-128842686-G-A. GRCh37 (hg19) VCF-style: chr7-128482740-G-A.
Other names: c.2377G>A, p.Glu793Lys (NM_001127487.2); short protein forms E793K.
Identifiers: ClinVar variation 539332 (VCV000539332.9), dbSNP rs187143486, ClinGen allele CA4474692.
Genomic context (GRCh38, chr7:128,842,686, plus strand): 5'-GGAGTGGAGAAGACAGGCCTCAAGGCCAATGAGCCCACCTACTTCACGGTGGACTGCAGC[G>A]AGGCGGGGCAAGGTGCGCCCAGCCGGAAGGGGTGGGTCTGGGAGGGGGCGGGGGTGAGTC-3'
Protein context (NP_001449.3, residues 783-803): EPTYFTVDCS[Glu793Lys]AGQGDVSIGI